The following is an entry in ClinVar:

ClinVar aggregate classification (germline): Uncertain significance. Review status: criteria provided, multiple submitters, no conflicts (2 of 4 stars). 2 submissions from 2 submitters: Uncertain significance (2). Last evaluated 2022-05-16.

Conditions:
Inborn genetic diseases. Identifiers: MedGen C0950123, MeSH D030342.

Allele frequency attached by ClinVar (database versions not stated): ESP Exome Variant Server 0.00008; gnomAD 0.00010 and 0.00011.

Submissions (2):

Labcorp Genetics (formerly Invitae), Labcorp
Classification: Uncertain significance. Last evaluated: 2022-05-16. Review status: criteria provided, single submitter. Criteria: Invitae Variant Classification Sherloc (09022015). Collection method: clinical testing. Allele origin: germline.
Comment: This sequence change replaces valine, which is neutral and non-polar, with leucine, which is neutral and non-polar, at codon 261 of the MPDZ protein (p.Val261Leu). This variant is present in population databases (rs200611423, gnomAD 0.01%). This variant has not been reported in the literature in individuals affected with MPDZ-related conditions. Algorithms developed to predict the effect of missense changes on protein structure and function are either unavailable or do not agree on the potential impact of this missense change (SIFT: "Deleterious"; PolyPhen-2: "Benign"; Align-GVGD: "Class C25"). In summary, the available evidence is currently insufficient to determine the role of this variant in disease. Therefore, it has been classified as a Variant of Uncertain Significance.

Ambry Genetics
Classification: Uncertain significance for Inborn genetic diseases. Last evaluated: 2020-11-04. Review status: criteria provided, single submitter. Criteria: Ambry Variant Classification Scheme 2023. Collection method: clinical testing. Allele origin: germline.
Comment: The c.781G>C (p.V261L) alteration is located in coding exon 6 of the MPDZ gene. This alteration results from a G to C substitution at nucleotide position 781, causing the valine (V) at amino acid position 261 to be replaced by a leucine (L). Based on data from the Genome Aggregation Database (gnomAD) database, the MPDZ c.781G>C alteration was observed in 0.01% (21/279228) of total alleles studied, with a frequency of 0.02% (21/127714) in the European (non-Finnish) subpopulation. This amino acid position is well conserved in available vertebrate species. The p.V261L alteration is predicted to be tolerated by in silico analysis. Based on insufficient or conflicting evidence, the clinical significance of this alteration remains unclear.

NM_001378778.1(MPDZ):c.781G>C (p.Val261Leu)

Gene: MPDZ (multiple PDZ domain crumbs cell polarity complex component; minus strand). Cytogenetic location: 9p23.
Variant type: single nucleotide variant.
Coding change: c.781G>C on transcript NM_001378778.1 (MANE Select); coding-DNA position 781, G replaced by C.
Protein change: p.Val261Leu; replaces valine 261 with leucine.
Molecular consequence: missense variant.
Genome position (GRCh38, 1-based): chr9:13,221,467, C>G on the plus strand (G>C on the coding strand, the complement: MPDZ is on the minus strand). VCF-style: chr9-13221467-C-G. GRCh37 (hg19) VCF-style: chr9-13221466-C-G.
Other names: c.781G>C, p.Val261Leu (NM_001261406.2, NM_001261407.2, NM_001330637.2 and 14 more transcripts); c.781G>C (NM_003829.3); short protein forms V261L.
Identifiers: ClinVar variation 1373676 (VCV001373676.4), dbSNP rs200611423, ClinGen allele CA4988004.
Genomic context (GRCh38, chr9:13,221,467, plus strand): 5'-CTATCACACCAGTTGCTTTTCCTCCTATGATGCCAAATCCCAAACCAGATCCATCATTCA[C>G]CAATTCAATCGTTTCCATGTGTTGCCAGTGAACCTACAAACAAAGCTCATATATGAATTT-3'
Protein context (NP_001365707.1, residues 251-271): HWQHMETIEL[Val261Leu]NDGSGLGFGI